The following is an entry in ClinVar:

ClinVar aggregate classification (germline): Uncertain significance (1 of 4 stars; one submission).

Submission:

Labcorp Genetics (formerly Invitae), Labcorp
Classification: Uncertain significance. Last evaluated: 2022-06-27. Review status: criteria provided, single submitter. Criteria: Invitae Variant Classification Sherloc (09022015). Collection method: clinical testing. Allele origin: germline.
Comment: This sequence change replaces phenylalanine, which is neutral and non-polar, with leucine, which is neutral and non-polar, at codon 528 of the CHM protein (p.Phe528Leu). This variant is not present in population databases (gnomAD no frequency). This variant has not been reported in the literature in individuals affected with CHM-related conditions. ClinVar contains an entry for this variant (Variation ID: 1054178). Algorithms developed to predict the effect of missense changes on protein structure and function are either unavailable or do not agree on the potential impact of this missense change (SIFT: "Tolerated"; PolyPhen-2: "Probably Damaging"; Align-GVGD: "Class C0"). In summary, the available evidence is currently insufficient to determine the role of this variant in disease. Therefore, it has been classified as a Variant of Uncertain Significance.

NM_000390.4(CHM):c.1582T>C (p.Phe528Leu)

Gene: CHM (CHM Rab escort protein; minus strand). Cytogenetic location: Xq21.2.
Variant type: single nucleotide variant.
Coding change: c.1582T>C on transcript NM_000390.4 (MANE Select); coding-DNA position 1582, T replaced by C.
Protein change: p.Phe528Leu; replaces phenylalanine 528 with leucine.
Molecular consequence: missense variant.
Genome position (GRCh38, 1-based): chrX:85,878,992, A>G on the plus strand (T>C on the coding strand, the complement: CHM is on the minus strand). VCF-style: chrX-85878992-A-G. GRCh37 (hg19) VCF-style: chrX-85133997-A-G.
Other names: c.1138T>C, p.Phe380Leu (NM_001320959.1, NM_001362517.1, NM_001362518.2 and 1 more transcripts); short protein forms F380L, F528L.
Identifiers: ClinVar variation 1054178 (VCV001054178.7), dbSNP rs2148126387, ClinGen allele CA413787540.
Genomic context (GRCh38, chrX:85,878,992, plus strand): 5'-TTTCCATCATGAGTTATCAATTATTTTTCTTACCTATCTCCATTTCAGTATATGGAACAA[A>G]CAATTTCTGCACAACTGATTCTAAATCTTCTCTTGCTGTTTTAGAAGATGTGCAAGTCAA-3'
Protein context (NP_000381.1, residues 518-538): EDLESVVQKL[Phe528Leu]VPYTEMEIEN